The following is an entry in ClinVar:

ClinVar aggregate classification (germline): Uncertain significance. Review status: criteria provided, multiple submitters, no conflicts (2 of 4 stars). 6 submissions from 5 submitters: Uncertain significance (6). Last evaluated 2023-10-10.

Conditions:
Cardiovascular phenotype. Identifiers: MedGen CN230736.
Hereditary cancer-predisposing syndrome. Also called: Hereditary Cancer Syndrome; Neoplastic Syndromes, Hereditary; Tumor predisposition; Hereditary neoplastic syndrome. Identifiers: Orphanet 140162, MedGen C0027672, MeSH D009386, MONDO:0015356.
Neurofibromatosis, type 1 (NF1). Also called: Neurofibromatosis, type I; VON RECKLINGHAUSEN DISEASE; NEUROFIBROMATOSIS, TYPE I, SOMATIC; Peripheral type neurofibromatosis. Identifiers: Orphanet 636, MedGen C0027831, MONDO:0018975, OMIM 162200. Disease mechanism: loss of function.
Juvenile myelomonocytic leukemia (JMML). Also called: LEUKEMIA, JUVENILE MYELOMONOCYTIC, SOMATIC. Identifiers: Orphanet 86834, MedGen C0349639, MONDO:0011908, OMIM 607785, HP:0012209.

Allele frequency attached by ClinVar (database versions not stated): gnomAD exomes below 0.00001.
gnomAD v4.1: 2 of 1,614,130 alleles (0.00012%); highest among the groups gnomAD compares: Non-Finnish European, 0.00017%; no homozygotes.

Submissions (6):

Labcorp Genetics (formerly Invitae), Labcorp
Classification: Uncertain significance for Neurofibromatosis, type 1. Last evaluated: 2023-10-10. Review status: criteria provided, single submitter. Criteria: Invitae Variant Classification Sherloc (09022015). Collection method: clinical testing. Allele origin: germline.
Comment: This sequence change replaces phenylalanine, which is neutral and non-polar, with leucine, which is neutral and non-polar, at codon 2083 of the NF1 protein (p.Phe2083Leu). This variant is not present in population databases (gnomAD no frequency). This variant has not been reported in the literature in individuals affected with NF1-related conditions. ClinVar contains an entry for this variant (Variation ID: 232806). Advanced modeling of protein sequence and biophysical properties (such as structural, functional, and spatial information, amino acid conservation, physicochemical variation, residue mobility, and thermodynamic stability) performed at Invitae indicates that this missense variant is expected to disrupt NF1 protein function. In summary, the available evidence is currently insufficient to determine the role of this variant in disease. Therefore, it has been classified as a Variant of Uncertain Significance.

Baylor Genetics
Classification: Uncertain significance for Juvenile myelomonocytic leukemia. Last evaluated: 2023-08-04. Review status: criteria provided, single submitter. Criteria: ACMG Guidelines, 2015. Collection method: clinical testing. Allele origin: unknown.

Ambry Genetics
Classification: Uncertain significance for Cardiovascular phenotype; Hereditary cancer-predisposing syndrome. Last evaluated: 2022-10-17. Review status: criteria provided, single submitter. Criteria: Ambry Variant Classification Scheme 2023. Collection method: clinical testing. Allele origin: germline.

Genome-Nilou Lab
Classification: Uncertain significance for Neurofibromatosis, type 1. Last evaluated: 2022-03-15. Review status: criteria provided, single submitter. Criteria: ACMG Guidelines, 2015. Collection method: clinical testing. Allele origin: germline. Affected: no.

GeneDx
Classification: Uncertain significance. Last evaluated: 2021-11-24. Review status: criteria provided, single submitter. Criteria: GeneDx Variant Classification Process June 2021. Collection method: clinical testing. Allele origin: germline. Affected: yes.
Comment: Not observed at significant frequency in large population cohorts (Lek et al., 2016); In silico analysis supports that this missense variant has a deleterious effect on protein structure/function; Has not been previously published as pathogenic or benign to our knowledge

Ambry Genetics
Classification: Uncertain significance for Hereditary cancer-predisposing syndrome. Last evaluated: 2015-07-08. Review status: criteria provided, single submitter. Criteria: Ambry Autosomal Dominant and X-Linked criteria (10/2015). Collection method: clinical testing. Allele origin: germline. Observed: 1 variant allele.
Comment: The p.F2104L variant (also known as c.6310T>C), located in coding exon 42 of the NF1 gene, results from a T to C substitution at nucleotide position 6310. The phenylalanine at codon 2104 is replaced by leucine, an amino acid with highly similar properties. This variant was not reported in population based cohorts in the following databases: Database of Single Nucleotide Polymorphisms (dbSNP), NHLBI Exome Sequencing Project (ESP), and 1000 Genomes Project. In the ESP, this variant was not observed in 6503 samples (13006 alleles) with coverage at this position. To date, this alteration has been detected with an allele frequency of approximately 0.002% (greater than 55,000 alleles tested) in our clinical cohort.This amino acid position is highly conserved in available vertebrate species. In addition, this alteration is predicted to be deleterious by in silico analysis.Since supporting evidence is limited at this time, the clinical significance ofp.F2104L remains unclear.

NM_001042492.3(NF1):c.6310T>C (p.Phe2104Leu)

Gene: NF1 (neurofibromin 1; plus strand). Cytogenetic location: 17q11.2.
Variant type: single nucleotide variant.
Coding change: c.6310T>C on transcript NM_001042492.3 (MANE Select); coding-DNA position 6310, T replaced by C.
Protein change: p.Phe2104Leu; replaces phenylalanine 2104 with leucine.
Molecular consequence: missense variant.
Genome position (GRCh38, 1-based): chr17:31,336,797, T>C. VCF-style: chr17-31336797-T-C. GRCh37 (hg19) VCF-style: chr17-29663815-T-C.
Other names: c.6247T>C, p.Phe2083Leu (NM_000267.4); short protein forms F2083L, F2104L.
Identifiers: ClinVar variation 232806 (VCV000232806.13), dbSNP rs876660000, ClinGen allele CA10580375.